The following is an entry in ClinVar:

NM_000702.4(ATP1A2):c.13G>T (p.Ala5Ser)

Gene: ATP1A2 (ATPase Na+/K+ transporting subunit alpha 2; plus strand). Cytogenetic location: 1q23.2.
Variant type: single nucleotide variant.
Coding change: c.13G>T on transcript NM_000702.4 (MANE Select); coding-DNA position 13, G replaced by T.
Protein change: p.Ala5Ser; replaces alanine 5 with serine.
Molecular consequence: missense variant.
Genome position (GRCh38, 1-based): chr1:160,120,906, G>T. VCF-style: chr1-160120906-G-T. GRCh37 (hg19) VCF-style: chr1-160090696-G-T.
Other names: short protein forms A5S.
Identifiers: ClinVar variation 2118247 (VCV002118247.4), dbSNP rs776180843, ClinGen allele CA1194072.

ClinVar aggregate classification (germline): Uncertain significance (1 of 4 stars; one submission).

Conditions:
Familial hemiplegic migraine. Identifiers: MedGen C0338484, MONDO:0000700.

Allele frequency attached by ClinVar (database versions not stated): ExAC 0.00002.
gnomAD v4.1: 11 of 1,585,564 alleles (0.00069%); highest among the groups gnomAD compares: East Asian, 0.026%; no homozygotes.

Submission:

Labcorp Genetics (formerly Invitae), Labcorp
Classification: Uncertain significance for Familial hemiplegic migraine. Last evaluated: 2022-03-27. Review status: criteria provided, single submitter. Criteria: Invitae Variant Classification Sherloc (09022015). Collection method: clinical testing. Allele origin: germline.
Comment: In summary, the available evidence is currently insufficient to determine the role of this variant in disease. Therefore, it has been classified as a Variant of Uncertain Significance. Algorithms developed to predict the effect of missense changes on protein structure and function (SIFT, PolyPhen-2, Align-GVGD) all suggest that this variant is likely to be tolerated. This variant has not been reported in the literature in individuals affected with ATP1A2-related conditions. The frequency data for this variant in the population databases is considered unreliable, as metrics indicate poor data quality at this position in the gnomAD database. This sequence change replaces alanine, which is neutral and non-polar, with serine, which is neutral and polar, at codon 5 of the ATP1A2 protein (p.Ala5Ser).